The following is an entry in ClinVar:

NM_033409.4(SLC52A3):c.215T>A (p.Val72Glu)

Gene: SLC52A3 (solute carrier family 52 member 3; minus strand). Cytogenetic location: 20p13.
Variant type: single nucleotide variant.
Coding change: c.215T>A on transcript NM_033409.4 (MANE Select); coding-DNA position 215, T replaced by A.
Protein change: p.Val72Glu; replaces valine 72 with glutamic acid.
Molecular consequence: missense variant.
Genome position (GRCh38, 1-based): chr20:765,560, A>T on the plus strand (T>A on the coding strand, the complement: SLC52A3 is on the minus strand). VCF-style: chr20-765560-A-T. GRCh37 (hg19) VCF-style: chr20-746204-A-T.
Other names: c.215T>A, p.Val72Glu (NM_001370085.1, NM_001370086.1); short protein forms V72E.
Identifiers: ClinVar variation 941805 (VCV000941805.6), dbSNP rs751825591, ClinGen allele CA9724817.

ClinVar aggregate classification (germline): Uncertain significance. Review status: criteria provided, multiple submitters, no conflicts (2 of 4 stars). 2 submissions from 2 submitters: Uncertain significance (2). Last evaluated 2024-11-07.

Conditions:
Inborn genetic diseases. Identifiers: MedGen C0950123, MeSH D030342.
Brown-Vialetto-van Laere syndrome 1. Also called: BROWN-VIALETTO-VAN LAERE SYNDROME 1, MILD; BULBAR PALSY, PROGRESSIVE, WITH SENSORINEURAL DEAFNESS; PONTOBULBAR PALSY WITH DEAFNESS. Identifiers: Orphanet 572550, Orphanet 97229, MedGen C0796274, MONDO:0024537, OMIM 211530.

Allele frequency attached by ClinVar (database versions not stated): ExAC 0.00005; gnomAD exomes 0.00002 and 0.00003; gnomAD 0.00003; TOPMed 0.00003.
gnomAD v4.1: 47 of 1,578,682 alleles (0.003%); highest among the groups gnomAD compares: Middle Eastern, 0.017%; no homozygotes.

Submissions (2):

Ambry Genetics
Classification: Uncertain significance for Inborn genetic diseases. Last evaluated: 2024-11-07. Review status: criteria provided, single submitter. Criteria: Ambry Variant Classification Scheme 2023. Collection method: clinical testing. Allele origin: germline.

Labcorp Genetics (formerly Invitae), Labcorp
Classification: Uncertain significance for Brown-Vialetto-van Laere syndrome 1. Last evaluated: 2022-11-01. Review status: criteria provided, single submitter. Criteria: Invitae Variant Classification Sherloc (09022015). Collection method: clinical testing. Allele origin: germline.
Comment: This sequence change replaces valine, which is neutral and non-polar, with glutamic acid, which is acidic and polar, at codon 72 of the SLC52A3 protein (p.Val72Glu). The frequency data for this variant in the population databases is considered unreliable, as metrics indicate poor data quality at this position in the gnomAD database. This variant has not been reported in the literature in individuals affected with SLC52A3-related conditions. ClinVar contains an entry for this variant (Variation ID: 941805). Advanced modeling of protein sequence and biophysical properties (such as structural, functional, and spatial information, amino acid conservation, physicochemical variation, residue mobility, and thermodynamic stability) performed at Invitae indicates that this missense variant is not expected to disrupt SLC52A3 protein function. In summary, the available evidence is currently insufficient to determine the role of this variant in disease. Therefore, it has been classified as a Variant of Uncertain Significance.